The following is an entry in ClinVar:

ClinVar aggregate classification (germline): Uncertain significance (1 of 4 stars; one submission).

Submission:

Labcorp Genetics (formerly Invitae), Labcorp
Classification: Uncertain significance. Last evaluated: 2022-07-12. Review status: criteria provided, single submitter. Criteria: Invitae Variant Classification Sherloc (09022015). Collection method: clinical testing. Allele origin: germline.
Comment: In summary, the available evidence is currently insufficient to determine the role of this variant in disease. Therefore, it has been classified as a Variant of Uncertain Significance. This variant has not been reported in the literature in individuals affected with LBR-related conditions. A copy number gain of the genomic region encompassing the full coding sequence of the LBR gene has been identified. The boundaries of this event are unknown as they extend beyond the assayed region for this gene and therefore may encompass additional genes. As the precise location of this event is unknown, it may be in tandem or it may be located elsewhere in the genome.

NC_000001.10:g.(?_225591005)_(227174438_?)dup

Genes: ACBD3 (acyl-CoA binding domain containing 3; minus strand), COQ8A (coenzyme Q8A; plus strand), ENAH (ENAH actin regulator; minus strand), EPHX1 (epoxide hydrolase 1; plus strand), H3-3A (H3.3 histone A; plus strand) and 13 more. Cytogenetic location: 1q42.12-42.13.
Variant type: Duplication.
Identifiers: ClinVar variation 1410588 (VCV001410588.5).